The following is an entry in ClinVar:

ClinVar aggregate classification (germline): Likely benign. Review status: criteria provided, multiple submitters, no conflicts (2 of 4 stars). 4 submissions from 4 submitters: Likely benign (3). 1 of the submissions does not count toward it. Last evaluated 2026-01-11.

Conditions:
Cardiovascular phenotype. Identifiers: MedGen CN230736.
TNXB-related disorder. Also called: TNXB-related condition.

Allele frequency attached by ClinVar (database versions not stated): ESP Exome Variant Server 0.00013; 1000 Genomes Project 30x 0.00031.
gnomAD v4.1: 116 of 1,612,748 alleles (0.0072%); highest among the groups gnomAD compares: Admixed American, 0.027%; no homozygotes.

Submissions (4):

Labcorp Genetics (formerly Invitae), Labcorp
Classification: Likely benign. Last evaluated: 2026-01-11. Review status: criteria provided, single submitter. Criteria: Invitae Variant Classification Sherloc (09022015). Collection method: clinical testing. Allele origin: germline.

Women's Health and Genetics/Laboratory Corporation of America, LabCorp
Classification: Likely benign. Last evaluated: 2024-12-16. Review status: criteria provided, single submitter. Criteria: LabCorp Variant Classification Summary - May 2015. Collection method: clinical testing. Allele origin: germline.

Ambry Genetics
Classification: Likely benign for Cardiovascular phenotype. Last evaluated: 2022-03-21. Review status: criteria provided, single submitter. Criteria: Ambry Variant Classification Scheme 2023. Collection method: clinical testing. Allele origin: germline.

PreventionGenetics, part of Exact Sciences
Classification: Likely benign for TNXB-related condition. Last evaluated: 2023-12-20. Review status: no assertion criteria provided. Collection method: clinical testing. Allele origin: germline. Not counted in ClinVar's aggregate classification.
Comment: This variant is classified as likely benign based on ACMG/AMP sequence variant interpretation guidelines (Richards et al. 2015 PMID: 25741868, with internal and published modifications).

NM_001365276.2(TNXB):c.5652C>T (p.Leu1884=)

Gene: TNXB (tenascin XB; minus strand). Cytogenetic location: 6p21.33.
Variant type: single nucleotide variant.
Coding change: c.5652C>T on transcript NM_001365276.2 (MANE Select); coding-DNA position 5652, C replaced by T.
Protein change: p.Leu1884=; no amino-acid change (leucine 1884 retained).
Molecular consequence: synonymous variant.
Genome position (GRCh38, 1-based): chr6:32,069,072, G>A on the plus strand (C>T on the coding strand, the complement: TNXB is on the minus strand). VCF-style: chr6-32069072-G-A. GRCh37 (hg19) VCF-style: chr6-32036849-G-A.
Other names: c.5652C>T, p.Leu1884= (NM_019105.8).
Identifiers: ClinVar variation 1748876 (VCV001748876.6), dbSNP rs371257003, ClinGen allele CA3734636.
Genomic context (GRCh38, chr6:32,069,072, plus strand): 5'-AGTCACCATCCAGGAGAGATGCAGGGTGTGTGACGTGGCCTCCTCCACTGTCAACTCCCC[G>A]AGGTGGGGCTCAGGCGCTGGAGGGGTCGGGGCCGTGGTCTCAGTTTCCGTTTCTTCCCTG-3'
Protein context (NP_001352205.1, residues 1874-1894): APTPPAPEPH[Leu1884=]GELTVEEATS